The following is an entry in ClinVar:

NM_015559.3(SETBP1):c.1030_1034del (p.Ser344fs)

Gene: SETBP1 (SET binding protein 1; plus strand). Cytogenetic location: 18q12.3.
Variant type: Deletion.
Coding change: c.1030_1034del on transcript NM_015559.3 (MANE Select); coding-DNA positions 1030 to 1034, 5 bases deleted (AGTCA; older notation c.1030_1034delAGTCA).
Protein change: p.Ser344fs; shifts the reading frame from serine 344.
Molecular consequence: frameshift variant.
Genome position (GRCh38, 1-based): chr18:44,950,370-44,950,374, AGTCA deleted; deleting any 5 consecutive bases within chr18:44,950,369-44,950,374 gives the same sequence; the c. name uses the placement nearest the transcript's 3' end. VCF-style (leftmost placement, unchanged base first): chr18-44950368-TAAGTC-T. GRCh37 (hg19) VCF-style: chr18-42530333-TAAGTC-T.
Other names: c.1030_1034del, p.Ser344fs (NM_001379141.1, NM_001379142.1); c.1030_1034delAGTCA, p.Ser344Aspfs (NM_001410862.1); short protein forms S344fs.
Identifiers: ClinVar variation 2029311 (VCV002029311.4), dbSNP rs2511466006, ClinGen allele CA2580095815.

ClinVar aggregate classification (germline): Pathogenic (1 of 4 stars; one submission).

Submission:

Labcorp Genetics (formerly Invitae), Labcorp
Classification: Pathogenic. Last evaluated: 2022-09-06. Review status: criteria provided, single submitter. Criteria: Invitae Variant Classification Sherloc (09022015). Collection method: clinical testing. Allele origin: germline.
Comment: This variant has not been reported in the literature in individuals affected with SETBP1-related conditions. For these reasons, this variant has been classified as Pathogenic. This variant is not present in population databases (gnomAD no frequency). This sequence change creates a premature translational stop signal (p.Ser344Aspfs*18) in the SETBP1 gene. It is expected to result in an absent or disrupted protein product. Loss-of-function variants in SETBP1 are known to be pathogenic (PMID: 21037274, 25217958).

Literature cited by the submitters: PubMed 21037274; PubMed 25217958.